The following is an entry in ClinVar:

ClinVar aggregate classification (germline): Uncertain significance (1 of 4 stars; one submission).

Submission:

Labcorp Genetics (formerly Invitae), Labcorp
Classification: Uncertain significance. Last evaluated: 2026-01-12. Review status: criteria provided, single submitter. Criteria: Invitae Variant Classification Sherloc (09022015). Collection method: clinical testing. Allele origin: germline.
Comment: This sequence change replaces glycine, which is neutral and non-polar, with glutamic acid, which is acidic and polar, at codon 554 of the KIF2A protein (p.Gly554Glu). This variant is not present in population databases (gnomAD no frequency). This variant has not been reported in the literature in individuals affected with KIF2A-related conditions. An algorithm developed to predict the effect of missense changes on protein structure and function (PolyPhen-2) suggests that this variant is likely to be disruptive. In summary, the available evidence is currently insufficient to determine the role of this variant in disease. Therefore, it has been classified as a Variant of Uncertain Significance.

NM_001098511.3(KIF2A):c.1661G>A (p.Gly554Glu)

Gene: KIF2A (kinesin family member 2A; plus strand). Cytogenetic location: 5q12.1.
Variant type: single nucleotide variant.
Coding change: c.1661G>A on transcript NM_001098511.3 (MANE Select); coding-DNA position 1661, G replaced by A.
Protein change: p.Gly554Glu; replaces glycine 554 with glutamic acid.
Molecular consequence: missense variant. On other transcripts: intron variant (3).
Genome position (GRCh38, 1-based): chr5:62,372,452, G>A. VCF-style: chr5-62372452-G-A. GRCh37 (hg19) VCF-style: chr5-61668279-G-A.
Other names: c.1566-1235G>A (NM_001243952.2); c.1647-1235G>A (NM_004520.5); c.1590-1235G>A (NM_001243953.2); short protein forms G554E.
Identifiers: ClinVar variation 4735237 (VCV004735237.1).
Genomic context (GRCh38, chr5:62,372,452, plus strand): 5'-TTTCAAGAGCATTTTCTTTTAATTTGTTGCTCTTTTGGTGCTGCAGAGTAAAGGAGTTTG[G>A]AATTAGTCCATCAGACATTCCCTTCTCACAGGGTAGTGGCAGTCGCCCTGATCTCTCTCC-3'
Protein context (NP_001091981.1, residues 544-564): LRYANRVKEF[Gly554Glu]ISPSDIPFSQ